The following is an entry in ClinVar:

ClinVar aggregate classification (germline): Uncertain significance (1 of 4 stars; one submission).

gnomAD v4.1: 1 of 1,614,110 alleles (0.000062%); highest among the groups gnomAD compares: Non-Finnish European, 0.000085%; no homozygotes.

Submission:

Ambry Genetics
Classification: Uncertain significance. Last evaluated: 2025-10-17. Review status: criteria provided, single submitter. Criteria: Ambry Variant Classification Scheme 2023. Collection method: clinical testing. Allele origin: germline.
Comment: The p.S455R variant (also known as c.1365T>G), located in coding exon 8 of the RNF43 gene, results from a T to G substitution at nucleotide position 1365. The serine at codon 455 is replaced by arginine, an amino acid with dissimilar properties. This amino acid position is conserved. In addition, this alteration is predicted to be tolerated by in silico analysis. Based on the available evidence, the clinical significance of this variant remains unclear.

NM_017763.6(RNF43):c.1365T>G (p.Ser455Arg)

Gene: RNF43 (ring finger protein 43; minus strand). Cytogenetic location: 17q22.
Variant type: single nucleotide variant.
Coding change: c.1365T>G on transcript NM_017763.6 (MANE Select); coding-DNA position 1365, T replaced by G.
Protein change: p.Ser455Arg; replaces serine 455 with arginine.
Molecular consequence: missense variant.
Genome position (GRCh38, 1-based): chr17:58,358,411, A>C on the plus strand (T>G on the coding strand, the complement: RNF43 is on the minus strand). VCF-style: chr17-58358411-A-C. GRCh37 (hg19) VCF-style: chr17-56435772-A-C.
Other names: c.1365T>G, p.Ser455Arg (NM_001305544.3, NM_001438820.1, NM_001438821.1 and 1 more transcripts); c.984T>G, p.Ser328Arg (NM_001305545.2, NM_001437987.1); short protein forms S328R, S455R.
Identifiers: ClinVar variation 4578971 (VCV004578971.1).
Genomic context (GRCh38, chr17:58,358,411, plus strand): 5'-GGAAGAGCCATGACAGGGCCCTGAGCTGGAGTCACTGGCTGGCCCATCTGCCAGGTACCC[A>C]CTGCGTTCTGTGCAATAGCTTTCTCCAGATCCACTGCTGTCAGGGGGCCTGGCCCGGCGT-3'
Protein context (NP_060233.3, residues 445-465): GSGESYCTER[Ser455Arg]GYLADGPASD